The following is an entry in ClinVar:

ClinVar aggregate classification (germline): Uncertain significance. Review status: reviewed by expert panel (3 of 4 stars). 6 submissions from 6 submitters: Uncertain significance (1). 5 of the submissions do not count toward it. Last evaluated 2025-08-05.

Conditions:
Glycogen storage disease, type II (IOPD). Also called: Pompe Disease; GLYCOGENOSIS, GENERALIZED, CARDIAC FORM; GSD II; CARDIOMEGALIA GLYCOGENICA DIFFUSA; Glycogen storage disease type 2; Acid maltase deficiency disease. Identifiers: Orphanet 365, MedGen C0017921, MONDO:0009290, OMIM 232300.

Allele frequency attached by ClinVar (database versions not stated): TOPMed 0.00001.
gnomAD v4.1: 16 of 1,613,006 alleles (0.00099%); highest among the groups gnomAD compares: South Asian, 0.0022%; no homozygotes.

Submissions (6):

ClinGen Lysosomal Storage Disorder Variant Curation Expert Panel
Classification: Uncertain significance for Glycogen storage disease, type II. Last evaluated: 2025-08-05. Review status: reviewed by expert panel. Criteria: clingen_lsd_acmg_specifications_v2-1. Collection method: curation. Allele origin: germline. Inheritance: Autosomal recessive inheritance.
Comment: The NM_000152.5:c.1780C>T variant in GAA is a missense variant predicted to cause substitution of arginine by cysteine at amino acid 594 (p.Arg594Cys). At least one individual with this variant has been reported to have late-onset Pompe disease, but GAA enzyme activity was not provided and thus PP4 was not applied (PMID: 29451150). This individual was compound heterozygous (phase unreported) for a second GAA variant, c.1799G>C (p.Arg600Pro) that has not been previously reported in Pompe disease to our knowledge; thus, PM3 is not applied. The highest population minor allele frequency in gnomAD v4.1.0. is 0.00002196 (2/91082 alleles) in the South Asian population, which is lower than the ClinGen Lysosomal Diseases VCEP’s threshold for PM2_Supporting (<0.001), meeting this criterion (PM2_Supporting). The computational predictor REVEL gives a score of 0.838 which is above the threshold of 0.7, evidence that correlates with impact to GAA function (PP3). Two different missense variants, c.1781G>C (p.Arg594Pro) and c.1781G>A (p.Arg594His) in the same codon have been classified as likely pathogenic for Pompe disease by the ClinGen Lysosomal Diseases VCEP (PM5_Supporting). There is a ClinVar entry for this variant (Variation ID: 662598, 1-star review status) with 4 submitters classifying the variant as uncertain significance (2 submitters) or likely pathogenic (2 submitters). In summary, due to insufficient evidence, this variant is classified as a variant of uncertain significance for Pompe disease based on the ACMG/AMP criteria applied, as specified by the ClinGen Lysosomal Diseases Variant Curation Expert Panel (Specifications Version 2.0): PM2_Supporting, PP3, PM5_Supporting (Classification approved by the ClinGen Lysosomal Diseases Variant Curation Expert Panel on August 5, 2025)

Genomenon, Inc
Classification: Uncertain significance for Glycogen storage disease, type II. Last evaluated: 2026-07-01. Review status: criteria provided, single submitter. Criteria: Genomenon Sequence Variant Interpretation Standards - Updated. Collection method: curation. Allele origin: germline. Affected: no. Not counted in ClinVar's aggregate classification.
Comment: GAA p.Arg594Cys (c.1780C>T) is a missense variant that changes the amino acid at codon 594 from Arginine to Cysteine. This variant has been reported in the published literature (PMID:29451150;39677172;33560568;31076647). The presence of pathogenic/likely pathogenic missense variant(s) at the same amino acid position indicates that this residue is likely important for protein function. It is absent or not present at a significant frequency in gnomAD. In silico models predict that this variant is possibly or probably damaging. In conclusion, we classify GAA p.Arg594Cys (c.1780C>T) as a variant of uncertain significance.

Labcorp Genetics (formerly Invitae), Labcorp
Classification: Likely pathogenic for Glycogen storage disease, type II. Last evaluated: 2025-12-11. Review status: criteria provided, single submitter. Criteria: Invitae Variant Classification Sherloc (09022015). Collection method: clinical testing. Allele origin: germline. Not counted in ClinVar's aggregate classification.
Comment: This sequence change replaces arginine, which is basic and polar, with cysteine, which is neutral and slightly polar, at codon 594 of the GAA protein (p.Arg594Cys). This variant is not present in population databases (gnomAD no frequency). This missense change has been observed in individual(s) with Pompe disease (PMID: 29451150). ClinVar contains an entry for this variant (Variation ID: 662598). Invitae Evidence Modeling of protein sequence and biophysical properties (such as structural, functional, and spatial information, amino acid conservation, physicochemical variation, residue mobility, and thermodynamic stability) indicates that this missense variant is expected to disrupt GAA protein function with a positive predictive value of 95%. This variant disrupts the p.Arg594 amino acid residue in GAA. Other variant(s) that disrupt this residue have been determined to be pathogenic (PMID: 19588081, 30564623). This suggests that this residue is clinically significant, and that variants that disrupt this residue are likely to be disease-causing. In summary, the currently available evidence indicates that the variant is pathogenic, but additional data are needed to prove that conclusively. Therefore, this variant has been classified as Likely Pathogenic.

Women's Health and Genetics/Laboratory Corporation of America, LabCorp
Classification: Uncertain significance. Last evaluated: 2025-07-25. Review status: criteria provided, single submitter. Criteria: LabCorp Variant Classification Summary - May 2015. Collection method: clinical testing. Allele origin: germline. Not counted in ClinVar's aggregate classification.
Comment: Variant summary: GAA c.1780C>T (p.Arg594Cys) results in a non-conservative amino acid change located in the Glycoside hydrolase family 31 domain (IPR000322) of the encoded protein sequence. Algorithms developed to predict the effect of missense changes on protein structure and function all suggest that this variant is likely to be disruptive. The variant was absent in 248732 control chromosomes. The available data on variant occurrences in the general population are insufficient to allow any conclusion about variant significance. c.1780C>T has been observed in an individual affected with Glycogen Storage Disease, Type 2 (Pompe Disease) (Liu_2018. These data do not allow any conclusion about variant significance. To our knowledge, no experimental evidence demonstrating an impact on protein function has been reported. The following publication have been ascertained in the context of this evaluation (PMID: 29451150). ClinVar contains an entry for this variant (Variation ID: 662598). Based on the evidence outlined above, the variant was classified as uncertain significance.

Natera, Inc.
Classification: Likely pathogenic for Glycogen storage disease type II. Last evaluated: 2025-06-01. Review status: criteria provided, single submitter. Criteria: Natera Variant Classification Schema (03/2026). Collection method: clinical testing. Allele origin: germline. Not counted in ClinVar's aggregate classification.
Comment: The c.1780C>T variant in GAA is a missense variant predicted to cause substitution of arginine to cysteine at amino acid 594. This variant is rare in the general population with a frequency below the threshold expected for the associated phenotype(s). This variant has been observed in one or more individuals affected with the associated recessive disease, as either homozygous or compound heterozygous with a second variant (PMID: 29451150). A different variant at the same position has been determined to be Pathogenic or Likely Pathogenic. Computational prediction algorithms indicate this variant is likely to affect gene or protein function. Given the available evidence, this variant is classified as Likely Pathogenic.

Revvity Omics, Revvity
Classification: Likely pathogenic. Last evaluated: 2025-05-07. Review status: criteria provided, single submitter. Criteria: ACMG Guidelines, 2015. Collection method: clinical testing. Allele origin: germline. Not counted in ClinVar's aggregate classification.

Literature cited by the submitters: PubMed 29451150 (cited by 4 submitters); PubMed 39677172 (cited by Genomenon, Inc); PubMed 33560568 (cited by Genomenon, Inc); PubMed 31076647 (cited by Genomenon, Inc); PubMed 19588081 (cited by Labcorp Genetics (formerly Invitae), Labcorp); PubMed 30564623 (cited by Labcorp Genetics (formerly Invitae), Labcorp).

NM_000152.5(GAA):c.1780C>T (p.Arg594Cys)

Gene: GAA (alpha glucosidase; plus strand). Cytogenetic location: 17q25.3.
Variant type: single nucleotide variant.
Coding change: c.1780C>T on transcript NM_000152.5 (MANE Select); coding-DNA position 1780, C replaced by T.
Protein change: p.Arg594Cys; replaces arginine 594 with cysteine.
Molecular consequence: missense variant.
Genome position (GRCh38, 1-based): chr17:80,112,603, C>T. VCF-style: chr17-80112603-C-T. GRCh37 (hg19) VCF-style: chr17-78086402-C-T.
Other names: NM_000152.5(GAA):c.1780C>T; p.Arg594Cys; c.1780C>T (LRG_673t1, NM_000152.4); c.1780C>T, p.Arg594Cys (NM_001079803.3, NM_001079804.3); short protein forms R594C.
Identifiers: ClinVar variation 662598 (VCV000662598.18), dbSNP rs1428112902, ClinGen allele CA401369359.